The following is an entry in ClinVar:

ClinVar aggregate classification (germline): Uncertain significance (1 of 4 stars; one submission).

Submission:

Ambry Genetics
Classification: Uncertain significance. Last evaluated: 2024-12-22. Review status: criteria provided, single submitter. Criteria: Ambry Variant Classification Scheme 2023. Collection method: clinical testing. Allele origin: germline.
Comment: The p.E884G variant (also known as c.2651A>G), located in coding exon 24 of the KIF1B gene, results from an A to G substitution at nucleotide position 2651. The glutamic acid at codon 884 is replaced by glycine, an amino acid with similar properties. This amino acid position is conserved. In addition, this alteration is predicted to be tolerated by in silico analysis. Based on the available evidence, the clinical significance of this variant remains unclear.

NM_001365951.3(KIF1B):c.2789A>G (p.Glu930Gly)

Genes: KIF1B (kinesin family member 1B; plus strand), LOC126805614 (BRD4-independent group 4 enhancer GRCh37_chr1:10385546-10386745; plus strand). Cytogenetic location: 1p36.22.
Variant type: single nucleotide variant.
Coding change: c.2789A>G on transcript NM_001365951.3 (MANE Select); coding-DNA position 2789, A replaced by G.
Protein change: p.Glu930Gly; replaces glutamic acid 930 with glycine.
Molecular consequence: missense variant.
Genome position (GRCh38, 1-based): chr1:10,326,224, A>G. VCF-style: chr1-10326224-A-G. GRCh37 (hg19) VCF-style: chr1-10386282-A-G.
Other names: c.2789A>G, p.Glu930Gly (NM_001365952.1); c.2651A>G, p.Glu884Gly (NM_015074.3); short protein forms E930G, E884G.
Identifiers: ClinVar variation 3864050 (VCV003864050.1).